The following is an entry in ClinVar:

NM_002180.3(IGHMBP2):c.*22C>T

Gene: IGHMBP2 (immunoglobulin mu DNA binding protein 2; plus strand). Cytogenetic location: 11q13.3.
Variant type: single nucleotide variant.
Coding change: c.*22C>T on transcript NM_002180.3 (MANE Select); 22 bases downstream of the stop codon, C replaced by T.
Molecular consequence: 3 prime UTR variant.
Genome position (GRCh38, 1-based): chr11:68,939,753, C>T. VCF-style: chr11-68939753-C-T. GRCh37 (hg19) VCF-style: chr11-68707221-C-T.
Identifiers: ClinVar variation 258554 (VCV000258554.7), dbSNP rs80298715, ClinGen allele CA6154086.

ClinVar aggregate classification (germline): Benign/Likely benign. Review status: criteria provided, multiple submitters, no conflicts (2 of 4 stars). 3 submissions from 3 submitters: Benign (1); Likely benign (2). Last evaluated 2018-01-13.

Conditions:
Autosomal recessive distal spinal muscular atrophy 1. Also called: NEURONOPATHY, SEVERE INFANTILE AXONAL, WITH RESPIRATORY FAILURE; SEVERE INFANTILE AXONAL NEUROPATHY WITH RESPIRATORY FAILURE; SPINAL MUSCULAR ATROPHY, DIAPHRAGMATIC; Spinal muscular atrophy with respiratory distress 1; HMN VI; NEURONOPATHY, DISTAL HEREDITARY MOTOR, HARDING TYPE VI. Identifiers: Orphanet 98920, MedGen C1858517, MONDO:0011436, OMIM 604320.

Allele frequency attached by ClinVar (database versions not stated): 1000 Genomes Project 0.01038; TOPMed 0.00846; gnomAD exomes 0.00207; ExAC 0.00402; gnomAD 0.00749 and 0.00795; ESP Exome Variant Server 0.00889; 1000 Genomes Project 30x 0.01109.
gnomAD v4.1: 2,121 of 1,587,190 alleles (0.13%); highest among the groups gnomAD compares: African/African-American, 2.5%; 26 homozygotes.

Submissions (3):

Illumina Laboratory Services, Illumina
Classification: Benign for Autosomal recessive distal spinal muscular atrophy 1. Last evaluated: 2018-01-13. Review status: criteria provided, single submitter. Criteria: ICSL Variant Classification Criteria 13 December 2019. Collection method: clinical testing. Allele origin: germline.
Comment: This variant was observed in the ICSL laboratory as part of a predisposition screen in an ostensibly healthy population. It had not been previously curated by ICSL or reported in the Human Gene Mutation Database (HGMD: prior to June 1st, 2018), and was therefore a candidate for classification through an automated scoring system. Utilizing variant allele frequency, disease prevalence and penetrance estimates, and inheritance mode, an automated score was calculated to assess if this variant is too frequent to cause the disease. Based on the score and internal cut-off values, a variant classified as benign is not then subjected to further curation. The score for this variant resulted in a classification of benign for this disease.

Breakthrough Genomics
Classification: Likely benign. Review status: criteria provided, single submitter. Criteria: ACMG Guidelines, 2015. Collection method: not provided. Allele origin: germline. Inheritance: Autosomal recessive inheritance. Affected: yes.

PreventionGenetics, part of Exact Sciences
Classification: Likely benign. Review status: criteria provided, single submitter. Criteria: ACMG Guidelines, 2015. Collection method: clinical testing. Allele origin: germline.